The following is an entry in ClinVar:

NM_000179.3(MSH6):c.*5A>G

Gene: MSH6 (mutS homolog 6; plus strand). Cytogenetic location: 2p16.3.
Variant type: single nucleotide variant.
Coding change: c.*5A>G on transcript NM_000179.3 (MANE Select); 5 bases downstream of the stop codon, A replaced by G.
Molecular consequence: 3 prime UTR variant.
Genome position (GRCh38, 1-based): chr2:47,806,865, A>G. VCF-style: chr2-47806865-A-G. GRCh37 (hg19) VCF-style: chr2-48034004-A-G.
Other names: c.*5A>G (NM_001281492.2, NM_001281493.2, NM_001281494.2).
Identifiers: ClinVar variation 918402 (VCV000918402.3), dbSNP rs1162814122, ClinGen allele CA532354413.

ClinVar aggregate classification (germline): Conflicting classifications of pathogenicity. Review status: criteria provided, conflicting classifications (1 of 4 stars). 2 submissions from 2 submitters: Uncertain significance (1); Benign (1). Last evaluated 2025-01-09.

Conditions:
Lynch syndrome 5 (LYNCH5). Also called: Colorectal cancer, hereditary nonpolyposis, type 5; Hereditary non-polyposis colorectal cancer, type 5. Identifiers: Orphanet 144, MedGen C1833477, MONDO:0013710, OMIM 614350. Disease mechanism: loss of function.
Hereditary cancer-predisposing syndrome. Also called: Neoplastic Syndromes, Hereditary; Tumor predisposition; Hereditary Cancer Syndrome; Hereditary neoplastic syndrome. Identifiers: Orphanet 140162, MedGen C0027672, MeSH D009386, MONDO:0015356.

Allele frequency attached by ClinVar (database versions not stated): gnomAD exomes below 0.00001.
gnomAD v4.1: 1 of 1,603,262 alleles (0.000062%); highest among the groups gnomAD compares: Admixed American, 0.0017%; no homozygotes.

Submissions (2):

Myriad Genetics, Inc.
Classification: Benign for Lynch syndrome 5. Last evaluated: 2025-01-09. Review status: criteria provided, single submitter. Criteria: Myriad Autosomal Dominant, Autosomal Recessive and X-Linked Classification Criteria (2023). Collection method: clinical testing. Allele origin: unknown.
Comment: This variant is considered benign. This variant occurs in the non-coding 3' untranslated region of the gene, and is not expected to impact protein function.

Color Diagnostics, LLC DBA Color Health
Classification: Uncertain significance for Hereditary cancer-predisposing syndrome. Last evaluated: 2019-05-24. Review status: criteria provided, single submitter. Criteria: ACMG Guidelines, 2015. Collection method: clinical testing. Allele origin: germline.